The following is an entry in ClinVar:

ClinVar aggregate classification (germline): Likely pathogenic (1 of 4 stars; one submission).

Conditions:
Baraitser-Winter syndrome 1 (BRWS1). Also called: PACHYGYRIA, MENTAL RETARDATION, EPILEPSY, AND CHARACTERISTIC FACIES; MENTAL RETARDATION WITH EPILEPSY AND CHARACTERISTIC FACIES; Cerebrofrontofacial syndrome; BARAITSER-WINTER SYNDROME 1, ATYPICAL. Identifiers: Orphanet 2649, Orphanet 2995, MedGen C1855722, MONDO:0009470, OMIM 243310.

Submission:

Institute of Human Genetics, University of Leipzig Medical Center
Classification: Likely pathogenic for Baraitser-Winter syndrome 1. Last evaluated: 2020-01-16. Review status: criteria provided, single submitter. Criteria: ACMG Guidelines, 2015. Collection method: clinical testing. Allele origin: germline. Affected: yes. Observed: 1 variant allele.
Comment: This variant was identified as de novo (maternity and paternity confirmed).

NM_001101.5(ACTB):c.965C>G (p.Pro322Arg)

Gene: ACTB (actin beta; minus strand). Cytogenetic location: 7p22.1.
Variant type: single nucleotide variant.
Coding change: c.965C>G on transcript NM_001101.5 (MANE Select); coding-DNA position 965, C replaced by G.
Protein change: p.Pro322Arg; replaces proline 322 with arginine.
Molecular consequence: missense variant.
Genome position (GRCh38, 1-based): chr7:5,528,023, G>C on the plus strand (C>G on the coding strand, the complement: ACTB is on the minus strand). VCF-style: chr7-5528023-G-C. GRCh37 (hg19) VCF-style: chr7-5567654-G-C.
Other names: short protein forms P322R.
Identifiers: ClinVar variation 976006 (VCV000976006.1), dbSNP rs1784802825, ClinGen allele CA366699693.
Genomic context (GRCh38, chr7:5,528,023, plus strand): 5'-GCCGACCTGCCCAGGTCAGCTCAGGCAGGAAAGACACCCACCTTGATCTTCATTGTGCTG[G>C]GTGCCAGGGCAGTGATCTCCTTCTGCATCCTGTCGGCAATGCCAGGGTACATGGTGGTGC-3'
Protein context (NP_001092.1, residues 312-332): RMQKEITALA[Pro322Arg]STMKIKIIAP